The following is an entry in ClinVar:

NM_004722.4(AP4M1):c.1113C>G (p.Gly371=)

Gene: AP4M1 (adaptor related protein complex 4 subunit mu 1; plus strand). Cytogenetic location: 7q22.1.
Variant type: single nucleotide variant.
Coding change: c.1113C>G on transcript NM_004722.4 (MANE Select); coding-DNA position 1113, C replaced by G.
Protein change: p.Gly371=; no amino-acid change (glycine 371 retained).
Molecular consequence: synonymous variant.
Genome position (GRCh38, 1-based): chr7:100,106,490, C>G. VCF-style: chr7-100106490-C-G. GRCh37 (hg19) VCF-style: chr7-99704113-C-G.
Other names: c.1134C>G, p.Gly378= (NM_001363671.2).
Identifiers: ClinVar variation 3033772 (VCV003033772.3), dbSNP rs369404153, ClinGen allele CA456882319.

ClinVar aggregate classification (germline): Likely benign. Review status: criteria provided, single submitter (1 of 4 stars). 2 submissions from 2 submitters: Likely benign (1). 1 of the submissions does not count toward it. Last evaluated 2026-04-01.

Conditions:
AP4M1-related disorder. Also called: AP4M1-related condition.

Submissions (2):

CeGaT Center for Human Genetics Tuebingen
Classification: Likely benign. Last evaluated: 2026-04-01. Review status: criteria provided, single submitter. Criteria: CeGaT Center For Human Genetics Tuebingen Variant Classification Criteria Version 2. Collection method: clinical testing. Allele origin: germline. Affected: yes. Observed: 1 variant allele.
Comment: AP4M1: BP4, BP7

PreventionGenetics, part of Exact Sciences
Classification: Likely benign for AP4M1-related condition. Last evaluated: 2023-11-21. Review status: no assertion criteria provided. Collection method: clinical testing. Allele origin: germline. Not counted in ClinVar's aggregate classification.
Comment: This variant is classified as likely benign based on ACMG/AMP sequence variant interpretation guidelines (Richards et al. 2015 PMID: 25741868, with internal and published modifications).